The following is an entry in ClinVar:

NM_000540.3(RYR1):c.1487A>G (p.Tyr496Cys)

Genes: RYR1 (ryanodine receptor 1; plus strand), LOC129391106 (MPRA-validated peak3472 silencer; plus strand). Cytogenetic location: 19q13.2.
Variant type: single nucleotide variant.
Coding change: c.1487A>G on transcript NM_000540.3 (MANE Select); coding-DNA position 1487, A replaced by G.
Protein change: p.Tyr496Cys; replaces tyrosine 496 with cysteine.
Molecular consequence: missense variant.
Genome position (GRCh38, 1-based): chr19:38,455,281, A>G. VCF-style: chr19-38455281-A-G. GRCh37 (hg19) VCF-style: chr19-38945921-A-G.
Other names: c.1487A>G, p.Tyr496Cys (NM_001042723.2); short protein forms Y496C.
Identifiers: ClinVar variation 3072969 (VCV003072969.3), dbSNP rs2514025489, ClinGen allele CA405688745.

ClinVar aggregate classification (germline): Uncertain significance. Review status: criteria provided, multiple submitters, no conflicts (2 of 4 stars). 2 submissions from 2 submitters: Uncertain significance (2). Last evaluated 2024-09-23.

Conditions:
Malignant hyperthermia, susceptibility to, 1 (MHS1). Also called: Anesthesia related hyperthermia; Malignant hyperpyrexia; Fulminating hyperpyrexia; Pharmacogenic myopathy; RYR1-Related Malignant Hyperthermia Susceptibility; Malignant hyperthermia suceptibility 1. Identifiers: Orphanet 423, MedGen C2930980, MONDO:0007783, OMIM 145600.

Allele frequency attached by ClinVar (database versions not stated): gnomAD exomes below 0.00001.
gnomAD v4.1: 2 of 1,614,096 alleles (0.00012%); highest among the groups gnomAD compares: Non-Finnish European, 0.00017%; no homozygotes.

Submissions (2):

All of Us Research Program, National Institutes of Health
Classification: Uncertain significance for Malignant hyperthermia, susceptibility to, 1. Last evaluated: 2024-09-23. Review status: criteria provided, single submitter. Criteria: ACMG Guidelines, 2015. Collection method: clinical testing. Allele origin: germline. Inheritance: Autosomal dominant inheritance. Observed: 2 variant alleles, 2 heterozygotes.
Comment: This missense variant replaces tyrosine with cysteine at codon 496 of the RYR1 protein. Computational prediction suggests that this variant may have deleterious impact on protein structure and function (internally defined REVEL score threshold >= 0.7, PMID: 27666373). To our knowledge, functional studies have not been reported for this variant. This variant has not been reported in individuals affected with RYR1-related disorders in the literature. This variant has not been identified in the general population by the Genome Aggregation Database (gnomAD). The available evidence is insufficient to determine the role of this variant in disease conclusively. Therefore, this variant is classified as a Variant of Uncertain Significance.

This study involves interpretation of variants in research participants for the purpose of population health screening. Participant phenotype was not available at the time of variant classification. Additional details can be found in publication PMID: 35346344, PMCID: PMC8962531

Color Diagnostics, LLC DBA Color Health
Classification: Uncertain significance for Malignant hyperthermia, susceptibility to, 1. Last evaluated: 2023-08-02. Review status: criteria provided, single submitter. Criteria: ACMG Guidelines, 2015. Collection method: clinical testing. Allele origin: germline.
Comment: This missense variant replaces tyrosine with cysteine at codon 496 of the RYR1 protein. Computational prediction suggests that this variant may have deleterious impact on protein structure and function. To our knowledge, functional studies have not been reported for this variant. This variant has not been reported in individuals affected with RYR1-related disorders in the literature. This variant has not been identified in the general population by the Genome Aggregation Database (gnomAD). The available evidence is insufficient to determine the role of this variant in disease conclusively. Therefore, this variant is classified as a Variant of Uncertain Significance.